The following is an entry in ClinVar:

NM_152703.5(SAMD9L):c.4082T>C (p.Val1361Ala)

Gene: SAMD9L (sterile alpha motif domain containing 9 like; minus strand). Cytogenetic location: 7q21.2.
Variant type: single nucleotide variant.
Coding change: c.4082T>C on transcript NM_152703.5 (MANE Select); coding-DNA position 4082, T replaced by C.
Protein change: p.Val1361Ala; replaces valine 1361 with alanine.
Molecular consequence: missense variant.
Genome position (GRCh38, 1-based): chr7:93,131,890, A>G on the plus strand (T>C on the coding strand, the complement: SAMD9L is on the minus strand). VCF-style: chr7-93131890-A-G. GRCh37 (hg19) VCF-style: chr7-92761203-A-G.
Other names: c.4082T>C (NM_152703.2, NM_152703.3); c.4082T>C, p.Val1361Ala (NM_001303496.3, NM_001303497.3, NM_001303498.3 and 5 more transcripts); short protein forms V1361A.
Identifiers: ClinVar variation 1017243 (VCV001017243.13), dbSNP rs202162088, ClinGen allele CA4343365.

ClinVar aggregate classification (germline): Conflicting classifications of pathogenicity. Review status: criteria provided, conflicting classifications (1 of 4 stars). 4 submissions from 4 submitters: Uncertain significance (3); Likely benign (1). Last evaluated 2025-07-14.

Conditions:
Ataxia-pancytopenia syndrome (ATXPC). Also called: SAMD9L Ataxia-Pancytopenia Syndrome; SAMD9L-Related Syndrome. Identifiers: Orphanet 2585, MedGen C1327919, MONDO:0008038, OMIM 159550.
Monosomy 7 myelodysplasia and leukemia syndrome 1. Also called: Familial Mosaic Monosomy 7 Syndrome; Monosomy 7 of bone marrow; CHROMOSOME 7q DELETION. Identifiers: MedGen C1854978, MONDO:0009646, OMIM 252270.
Spinocerebellar ataxia 49 (SCA49). Identifiers: Orphanet 631106, MedGen C5676950, MONDO:0030805, OMIM 619806.
Inborn genetic diseases. Identifiers: MedGen C0950123, MeSH D030342.

Allele frequency attached by ClinVar (database versions not stated): gnomAD 0.00006 and 0.00009; TOPMed 0.00007; gnomAD exomes 0.00008 and 0.00012; ExAC 0.00013; ESP Exome Variant Server 0.00015; 1000 Genomes Project 0.00040; 1000 Genomes Project 30x 0.00047.
gnomAD v4.1: 125 of 1,612,452 alleles (0.0078%); highest among the groups gnomAD compares: South Asian, 0.046%; no homozygotes.

Submissions (4):

Labcorp Genetics (formerly Invitae), Labcorp
Classification: Uncertain significance. Last evaluated: 2025-07-14. Review status: criteria provided, single submitter. Criteria: Invitae Variant Classification Sherloc (09022015). Collection method: clinical testing. Allele origin: germline.
Comment: This sequence change replaces valine, which is neutral and non-polar, with alanine, which is neutral and non-polar, at codon 1361 of the SAMD9L protein (p.Val1361Ala). This variant is present in population databases (rs202162088, gnomAD 0.04%), and has an allele count higher than expected for a pathogenic variant. This variant has not been reported in the literature in individuals affected with SAMD9L-related conditions. ClinVar contains an entry for this variant (Variation ID: 1017243). Invitae Evidence Modeling of protein sequence and biophysical properties (such as structural, functional, and spatial information, amino acid conservation, physicochemical variation, residue mobility, and thermodynamic stability) indicates that this missense variant is not expected to disrupt SAMD9L protein function with a negative predictive value of 80%. In summary, the available evidence is currently insufficient to determine the role of this variant in disease. Therefore, it has been classified as a Variant of Uncertain Significance.

Ambry Genetics
Classification: Likely benign for Inborn genetic diseases. Last evaluated: 2024-11-28. Review status: criteria provided, single submitter. Criteria: Ambry Variant Classification Scheme 2023. Collection method: clinical testing. Allele origin: germline.

Fulgent Genetics
Classification: Uncertain significance for Ataxia-pancytopenia syndrome; Monosomy 7 myelodysplasia and leukemia syndrome 1; Spinocerebellar ataxia 49. Last evaluated: 2024-05-17. Review status: criteria provided, single submitter. Criteria: ACMG Guidelines, 2015. Collection method: clinical testing. Allele origin: germline.

GeneDx
Classification: Uncertain significance. Last evaluated: 2023-08-07. Review status: criteria provided, single submitter. Criteria: GeneDx Variant Classification Process June 2021. Collection method: clinical testing. Allele origin: germline. Affected: yes.
Comment: Identified in an individual with leukemia, but it is not clear whether the variant was only in tumor cells or was also present in the germline (Kiel et al., 2015); In silico analysis supports that this missense variant does not alter protein structure/function; This variant is associated with the following publications: (PMID: 28719003, 26740555, 26415585)